The following is an entry in ClinVar:

ClinVar aggregate classification (germline): Uncertain significance (1 of 4 stars; one submission).

Allele frequency attached by ClinVar (database versions not stated): gnomAD 0.00001; TOPMed 0.00001.
gnomAD v4.1: 23 of 1,613,564 alleles (0.0014%); highest among the groups gnomAD compares: East Asian, 0.011%; no homozygotes.

Submission:

Labcorp Genetics (formerly Invitae), Labcorp
Classification: Uncertain significance. Last evaluated: 2025-06-09. Review status: criteria provided, single submitter. Criteria: Invitae Variant Classification Sherloc (09022015). Collection method: clinical testing. Allele origin: germline.
Comment: This sequence change replaces glutamic acid, which is acidic and polar, with valine, which is neutral and non-polar, at codon 980 of the MYH7B protein (p.Glu980Val). This variant is present in population databases (no rsID available, gnomAD 0.006%). This variant has not been reported in the literature in individuals affected with MYH7B-related conditions. ClinVar contains an entry for this variant (Variation ID: 3021694). Invitae Evidence Modeling of protein sequence and biophysical properties (such as structural, functional, and spatial information, amino acid conservation, physicochemical variation, residue mobility, and thermodynamic stability) indicates that this missense variant is expected to disrupt MYH7B protein function with a positive predictive value of 80%. In summary, the available evidence is currently insufficient to determine the role of this variant in disease. Therefore, it has been classified as a Variant of Uncertain Significance.

NM_020884.7(MYH7B):c.2813A>T (p.Glu938Val)

Gene: MYH7B (myosin heavy chain 7B; plus strand). Cytogenetic location: 20q11.22.
Variant type: single nucleotide variant.
Coding change: c.2813A>T on transcript NM_020884.7 (MANE Select); coding-DNA position 2813, A replaced by T.
Protein change: p.Glu938Val; replaces glutamic acid 938 with valine.
Molecular consequence: missense variant.
Genome position (GRCh38, 1-based): chr20:34,995,448, A>T. VCF-style: chr20-34995448-A-T. GRCh37 (hg19) VCF-style: chr20-33583251-A-T.
Other names: short protein forms E938V.
Identifiers: ClinVar variation 3021694 (VCV003021694.3), dbSNP rs1023750228, ClinGen allele CA313480024.